The following is an entry in ClinVar:

ClinVar aggregate classification (germline): Pathogenic (1 of 4 stars; one submission).

Conditions:
Telangiectasia, hereditary hemorrhagic, type 1 (HHT1). Also called: Osler Weber Rendu syndrome type 1; ENG-Related Hereditary Hemorrhagic Telangiectasia. Identifiers: Orphanet 774, MedGen C4551861, MONDO:0008535, OMIM 187300. Disease mechanism: loss of function.

Submission:

NIHR Bioresource Rare Diseases, University of Cambridge
Classification: Pathogenic for Telangiectasia, hereditary hemorrhagic, type 1. Last evaluated: 2018-01-01. Review status: criteria provided, single submitter. Criteria: ACMG Guidelines, 2015. Collection method: research. Allele origin: unknown. Affected: yes. Observed: 1 variant allele.
Comment: PVS1+PM2+PP4

Literature cited by the submitters: PubMed 32573726.

NM_001114753.3(ENG):c.899_901delinsC (p.Leu300fs)

Gene: ENG (endoglin; minus strand). Cytogenetic location: 9q34.11.
Variant type: Indel.
Coding change: c.899_901delinsC on transcript NM_001114753.3 (MANE Select); coding-DNA positions 899 to 901, TGG replaced by C.
Protein change: p.Leu300fs; shifts the reading frame from leucine 300.
Molecular consequence: frameshift variant.
Genome position (GRCh38, 1-based): chr9:127,824,890-127,824,892, CCA replaced by G on the plus strand (TGG replaced by C on the coding strand, the reverse complement: ENG is on the minus strand). VCF-style: chr9-127824890-CCA-G. GRCh37 (hg19) VCF-style: chr9-130587169-CCA-G.
Other names: c.899_901delTGGinsC, p.Leu300Profs (NM_000118.4, NM_001406715.1); c.353_355delinsC, p.Leu118fs (NM_001278138.2); c.899_904delinsCGGG (NM_000118.3); short protein forms L118fs, L300fs.
Identifiers: ClinVar variation 982484 (VCV000982484.3), dbSNP rs1830569401, ClinGen allele CA1139661208.